The following is an entry in ClinVar:

ClinVar aggregate classification (germline): Uncertain significance (1 of 4 stars; one submission).

Conditions:
Familial acute necrotizing encephalopathy (IIAE3). Also called: ENCEPHALOPATHY, ACUTE, INFECTION-INDUCED, SUSCEPTIBILITY TO, 3; Susceptibility to Acute Necrotizing Encephalopathy 1. Identifiers: Orphanet 88619, MedGen C2675556, MONDO:0011953, OMIM 608033.

Allele frequency attached by ClinVar (database versions not stated): gnomAD exomes below 0.00001.
gnomAD v4.1: 2 of 1,612,034 alleles (0.00012%); highest among the groups gnomAD compares: East Asian, 0.0045%; no homozygotes.

Submission:

Labcorp Genetics (formerly Invitae), Labcorp
Classification: Uncertain significance for Familial acute necrotizing encephalopathy. Last evaluated: 2020-11-04. Review status: criteria provided, single submitter. Criteria: Invitae Variant Classification Sherloc (09022015). Collection method: clinical testing. Allele origin: germline.
Comment: In summary, the available evidence is currently insufficient to determine the role of this variant in disease. Therefore, it has been classified as a Variant of Uncertain Significance. Algorithms developed to predict the effect of missense changes on protein structure and function output the following: SIFT: "Tolerated"; PolyPhen-2: "Benign"; Align-GVGD: "Class C0". The proline amino acid residue is found in multiple mammalian species, suggesting that this missense change does not adversely affect protein function. These predictions have not been confirmed by published functional studies and their clinical significance is uncertain. This variant has not been reported in the literature in individuals with RANBP2-related conditions. This variant is not present in population databases (ExAC no frequency). This sequence change replaces serine with proline at codon 2583 of the RANBP2 protein (p.Ser2583Pro). The serine residue is highly conserved and there is a moderate physicochemical difference between serine and proline.

NM_006267.5(RANBP2):c.7747T>C (p.Ser2583Pro)

Gene: RANBP2 (RAN binding protein 2; plus strand). Cytogenetic location: 2q13.
Variant type: single nucleotide variant.
Coding change: c.7747T>C on transcript NM_006267.5 (MANE Select); coding-DNA position 7747, T replaced by C.
Protein change: p.Ser2583Pro; replaces serine 2583 with proline.
Molecular consequence: missense variant.
Genome position (GRCh38, 1-based): chr2:108,768,286, T>C. VCF-style: chr2-108768286-T-C. GRCh37 (hg19) VCF-style: chr2-109384742-T-C.
Other names: short protein forms S2583P.
Identifiers: ClinVar variation 1525208 (VCV001525208.9), dbSNP rs1677251736, ClinGen allele CA348080077.
Genomic context (GRCh38, chr2:108,768,286, plus strand): 5'-GTAGCCCAGAGTGGATCTGAAAGCAAAGTGGAACCTAAAAAATGTGAACTGTCAAAGAAC[T>C]CTGATATCGAACAGTCTTCAGATAGCAAAGTCAAAAATCTCTTTGCTTCCTTTCCAACGG-3'
Protein context (NP_006258.3, residues 2573-2593): EPKKCELSKN[Ser2583Pro]DIEQSSDSKV